The following is an entry in ClinVar:

NM_001164665.2(KIAA1549):c.3940G>A (p.Val1314Met)

Gene: KIAA1549 (KIAA1549; minus strand). Cytogenetic location: 7q34.
Variant type: single nucleotide variant.
Coding change: c.3940G>A on transcript NM_001164665.2 (MANE Select); coding-DNA position 3940, G replaced by A.
Protein change: p.Val1314Met; replaces valine 1314 with methionine.
Molecular consequence: missense variant.
Genome position (GRCh38, 1-based): chr7:138,894,434, C>T on the plus strand (G>A on the coding strand, the complement: KIAA1549 is on the minus strand). VCF-style: chr7-138894434-C-T. GRCh37 (hg19) VCF-style: chr7-138579180-C-T.
Other names: c.3940G>A, p.Val1314Met (NM_020910.3); short protein forms V1314M.
Identifiers: ClinVar variation 945557 (VCV000945557.9), dbSNP rs368652460, ClinGen allele CA4506060.
Genomic context (GRCh38, chr7:138,894,434, plus strand): 5'-CAGGCTGAAAGTCTAGCTTGTCTGTGCGGCATAGTTTCCAGTAGAGGATGACAACAATCA[C>T]CATCACCACCAGCACTGGGATGACCACGCCAACAATGACCCACAAGTTGTTGCTCTGGGA-3'
Protein context (NP_001158137.1, residues 1304-1324): GVVIPVLVVM[Val1314Met]IVVILYWKLC

ClinVar aggregate classification (germline): Uncertain significance. Review status: criteria provided, multiple submitters, no conflicts (2 of 4 stars). 2 submissions from 2 submitters: Uncertain significance (2). Last evaluated 2025-04-28.

Conditions:
Inborn genetic diseases. Identifiers: MedGen C0950123, MeSH D030342.

Allele frequency attached by ClinVar (database versions not stated): gnomAD exomes 0.00002 and 0.00007; ExAC 0.00010; gnomAD 0.00023 and 0.00026; TOPMed 0.00023; ESP Exome Variant Server 0.00039; 1000 Genomes Project 0.00040; 1000 Genomes Project 30x 0.00047.
gnomAD v4.1: 68 of 1,614,028 alleles (0.0042%); highest among the groups gnomAD compares: African/African-American, 0.077%; no homozygotes.

Submissions (2):

Labcorp Genetics (formerly Invitae), Labcorp
Classification: Uncertain significance. Last evaluated: 2025-04-28. Review status: criteria provided, single submitter. Criteria: Invitae Variant Classification Sherloc (09022015). Collection method: clinical testing. Allele origin: germline.
Comment: This sequence change replaces valine, which is neutral and non-polar, with methionine, which is neutral and non-polar, at codon 1314 of the KIAA1549 protein (p.Val1314Met). This variant is present in population databases (rs368652460, gnomAD 0.08%). This variant has not been reported in the literature in individuals affected with KIAA1549-related conditions. ClinVar contains an entry for this variant (Variation ID: 945557). An algorithm developed to predict the effect of missense changes on protein structure and function (PolyPhen-2) suggests that this variant is likely to be disruptive. In summary, the available evidence is currently insufficient to determine the role of this variant in disease. Therefore, it has been classified as a Variant of Uncertain Significance.

Ambry Genetics
Classification: Uncertain significance for Inborn genetic diseases. Last evaluated: 2021-09-01. Review status: criteria provided, single submitter. Criteria: Ambry Variant Classification Scheme 2023. Collection method: clinical testing. Allele origin: germline.